The following is an entry in ClinVar:

NM_031924.8(RSPH3):c.-198G>A

Gene: RSPH3 (radial spoke head 3; minus strand). Cytogenetic location: 6q25.3.
Variant type: single nucleotide variant.
Coding change: c.-198G>A on transcript NM_031924.8 (MANE Select); 198 bases upstream of the start codon, G replaced by A.
Molecular consequence: 5 prime UTR variant. On other transcripts: missense variant (1), non-coding transcript variant (1).
Genome position (GRCh38, 1-based): chr6:158,999,748, C>T on the plus strand (G>A on the coding strand, the complement: RSPH3 is on the minus strand). VCF-style: chr6-158999748-C-T. GRCh37 (hg19) VCF-style: chr6-159420780-C-T.
Other names: c.229G>A, p.Gly77Arg (NM_001346418.1); short protein forms G77R.
Identifiers: ClinVar variation 475829 (VCV000475829.10), dbSNP rs199715125, ClinGen allele CA4076061.
Genomic context (GRCh38, chr6:158,999,748, plus strand): 5'-GAGGCGGGCGGGACGGGAGGTTACCAGCGCAGGAGGTGGGAGCTATACTGGGCTCGCTCC[C>T]AGCACCACAGAGACCAGCTGCGGGGGCCGCATCGGTTGCCCAGCAACCCAGGGTTCTGTC-3'

ClinVar aggregate classification (germline): Uncertain significance. Review status: criteria provided, multiple submitters, no conflicts (2 of 4 stars). 3 submissions from 3 submitters: Uncertain significance (3). Last evaluated 2025-12-23.

Conditions:
Primary ciliary dyskinesia 32. Also called: CILIARY DYSKINESIA, PRIMARY, 32, WITHOUT SITUS INVERSUS. Identifiers: Orphanet 244, MedGen C4225311, MONDO:0014657, OMIM 616481.
Inborn genetic diseases. Identifiers: MedGen C0950123, MeSH D030342.

Allele frequency attached by ClinVar (database versions not stated): ESP Exome Variant Server 0.00008; ExAC 0.00011; gnomAD 0.00013; gnomAD exomes 0.00014; TOPMed 0.00016.
gnomAD v4.1: 234 of 1,611,082 alleles (0.015%); highest among the groups gnomAD compares: Middle Eastern, 0.13%; 1 homozygote.

Submissions (3):

Labcorp Genetics (formerly Invitae), Labcorp
Classification: Uncertain significance for Primary ciliary dyskinesia 32. Last evaluated: 2025-12-23. Review status: criteria provided, single submitter. Criteria: Invitae Variant Classification Sherloc (09022015). Collection method: clinical testing. Allele origin: germline.
Comment: This sequence change replaces glycine, which is neutral and non-polar, with arginine, which is basic and polar, at codon 77 of the RSPH3 protein (p.Gly77Arg). This variant is present in population databases (rs199715125, gnomAD 0.04%). This variant has not been reported in the literature in individuals affected with RSPH3-related conditions. ClinVar contains an entry for this variant (Variation ID: 475829). An algorithm developed to predict the effect of missense changes on protein structure and function outputs the following: PolyPhen-2: "Benign". The arginine amino acid residue is found in multiple mammalian species, which suggests that this missense change does not adversely affect protein function. In summary, the available evidence is currently insufficient to determine the role of this variant in disease. Therefore, it has been classified as a Variant of Uncertain Significance.

Ambry Genetics
Classification: Uncertain significance for Inborn genetic diseases. Last evaluated: 2024-11-11. Review status: criteria provided, single submitter. Criteria: Ambry Variant Classification Scheme 2023. Collection method: clinical testing. Allele origin: germline.

Breakthrough Genomics
Classification: Uncertain significance. Review status: criteria provided, single submitter. Criteria: ACMG Guidelines, 2015. Collection method: not provided. Allele origin: germline. Inheritance: Autosomal recessive inheritance. Affected: yes.